The following is an entry in ClinVar:

NM_005245.4(FAT1):c.10375G>A (p.Val3459Met)

Gene: FAT1 (FAT atypical cadherin 1; minus strand). Cytogenetic location: 4q35.2.
Variant type: single nucleotide variant.
Coding change: c.10375G>A on transcript NM_005245.4 (MANE Select); coding-DNA position 10375, G replaced by A.
Protein change: p.Val3459Met; replaces valine 3459 with methionine.
Molecular consequence: missense variant.
Genome position (GRCh38, 1-based): chr4:186,604,550, C>T on the plus strand (G>A on the coding strand, the complement: FAT1 is on the minus strand). VCF-style: chr4-186604550-C-T. GRCh37 (hg19) VCF-style: chr4-187525704-C-T.
Other names: c.10375G>A (NM_005245.3); short protein forms V3459M.
Identifiers: ClinVar variation 1298977 (VCV001298977.39), dbSNP rs199593181, ClinGen allele CA3165369.
Genomic context (GRCh38, chr4:186,604,550, plus strand): 5'-TAAAGAAGAAGGGTGGACCGTTATGGGAAGAATCCTCATCTGTTACTACCAGCTGCAGCA[C>T]GCTGAAGCCCACTGGCTTATTTTCCTGCACAAGATTAGAAACAAAATTAAACAAAAATCC-3'
Protein context (NP_005236.2, residues 3449-3469): IQENKPVGFS[Val3459Met]LQLVVTDEDS

ClinVar aggregate classification (germline): Uncertain significance. Review status: criteria provided, multiple submitters, no conflicts (2 of 4 stars). 4 submissions from 4 submitters: Uncertain significance (4). Last evaluated 2024-11-25.

Allele frequency attached by ClinVar (database versions not stated): ExAC 0.00024; gnomAD 0.00024 and 0.00026; gnomAD exomes 0.00026; TOPMed 0.00031; ESP Exome Variant Server 0.00058.
gnomAD v4.1: 774 of 1,609,592 alleles (0.048%); highest among the groups gnomAD compares: Non-Finnish European, 0.058%; 1 homozygote.

Submissions (4):

Blueprint Genetics
Classification: Uncertain significance. Last evaluated: 2024-11-25. Review status: criteria provided, single submitter. Criteria: ACMG Guidelines, 2015. Collection method: clinical testing. Allele origin: germline.

Labcorp Genetics (formerly Invitae), Labcorp
Classification: Uncertain significance. Last evaluated: 2024-10-24. Review status: criteria provided, single submitter. Criteria: Invitae Variant Classification Sherloc (09022015). Collection method: clinical testing. Allele origin: germline.
Comment: This sequence change replaces valine, which is neutral and non-polar, with methionine, which is neutral and non-polar, at codon 3459 of the FAT1 protein (p.Val3459Met). This variant is present in population databases (rs199593181, gnomAD 0.04%). This variant has not been reported in the literature in individuals affected with FAT1-related conditions. ClinVar contains an entry for this variant (Variation ID: 1298977). Invitae Evidence Modeling of protein sequence and biophysical properties (such as structural, functional, and spatial information, amino acid conservation, physicochemical variation, residue mobility, and thermodynamic stability) indicates that this missense variant is not expected to disrupt FAT1 protein function with a negative predictive value of 80%. In summary, the available evidence is currently insufficient to determine the role of this variant in disease. Therefore, it has been classified as a Variant of Uncertain Significance.

CeGaT Center for Human Genetics Tuebingen
Classification: Uncertain significance. Last evaluated: 2023-09-01. Review status: criteria provided, single submitter. Criteria: CeGaT Center For Human Genetics Tuebingen Variant Classification Criteria Version 2. Collection method: clinical testing. Allele origin: germline. Affected: yes. Observed: 2 variant alleles.

GeneDx
Classification: Uncertain significance. Last evaluated: 2023-08-31. Review status: criteria provided, single submitter. Criteria: GeneDx Variant Classification Process June 2021. Collection method: clinical testing. Allele origin: germline. Affected: yes.
Comment: Reported in an individual with semilobar holoprosencephaly; however, a second variant in the FAT1 gene was not reported and the proband also harbored variants in the NDST1 and COL2A1 genes (Kim et al., 2019); In silico analysis supports that this missense variant does not alter protein structure/function; This variant is associated with the following publications: (PMID: 30508070)